The following is an entry in ClinVar:

NM_003597.5(KLF11):c.1148T>A (p.Val383Asp)

Gene: KLF11 (KLF transcription factor 11; plus strand). Cytogenetic location: 2p25.1.
Variant type: single nucleotide variant.
Coding change: c.1148T>A on transcript NM_003597.5 (MANE Select); coding-DNA position 1148, T replaced by A.
Protein change: p.Val383Asp; replaces valine 383 with aspartic acid.
Molecular consequence: missense variant.
Genome position (GRCh38, 1-based): chr2:10,048,485, T>A. VCF-style: chr2-10048485-T-A. GRCh37 (hg19) VCF-style: chr2-10188612-T-A.
Other names: c.1097T>A, p.Val366Asp (NM_001177716.2, NM_001177718.2); short protein forms V366D, V383D.
Identifiers: ClinVar variation 4993366 (VCV004993366.1).

ClinVar aggregate classification (germline): Uncertain significance (1 of 4 stars; one submission).

Conditions:
KLF11-related disorder. Also called: KLF11-related condition.

Submission:

PreventionGenetics, part of Exact Sciences
Classification: Uncertain significance for KLF11-related condition. Last evaluated: 2026-01-06. Review status: criteria provided, single submitter. Criteria: ACMG Guidelines, 2015. Collection method: clinical testing. Allele origin: germline.
Comment: The KLF11 c.1148T>A variant is predicted to result in the amino acid substitution p.Val383Asp. To our knowledge, this variant has not been reported in the literature or in a large population database (gnomAD), indicating this variant is rare. At this time, the clinical significance of this variant is uncertain due to the absence of conclusive functional and genetic evidence.